The following is an entry in ClinVar:

ClinVar aggregate classification (germline): Likely benign (1 of 4 stars; one submission).

Conditions:
BBS7-related disorder. Also called: BBS7-related condition.

gnomAD v4.1: 3 of 1,611,438 alleles (0.00019%); highest among the groups gnomAD compares: Non-Finnish European, 0.00025%; no homozygotes.

Submission:

PreventionGenetics, part of Exact Sciences
Classification: Likely benign for BBS7-related condition. Last evaluated: 2025-06-24. Review status: criteria provided, single submitter. Criteria: ACMG Guidelines, 2015. Collection method: clinical testing. Allele origin: germline.
Comment: This variant is classified as likely benign based on ACMG/AMP sequence variant interpretation guidelines (Richards et al. 2015 PMID: 25741868, with internal and published modifications).

NM_176824.3(BBS7):c.609T>C (p.Ser203=)

Gene: BBS7 (Bardet-Biedl syndrome 7; minus strand). Cytogenetic location: 4q27.
Variant type: single nucleotide variant.
Coding change: c.609T>C on transcript NM_176824.3 (MANE Select); coding-DNA position 609, T replaced by C.
Protein change: p.Ser203=; no amino-acid change (serine 203 retained).
Molecular consequence: synonymous variant.
Genome position (GRCh38, 1-based): chr4:121,854,813, A>G on the plus strand (T>C on the coding strand, the complement: BBS7 is on the minus strand). VCF-style: chr4-121854813-A-G. GRCh37 (hg19) VCF-style: chr4-122775968-A-G.
Other names: c.609T>C, p.Ser203= (NM_018190.4).
Identifiers: ClinVar variation 4997985 (VCV004997985.1).
Genomic context (GRCh38, chr4:121,854,813, plus strand): 5'-TGTAGTAATCTGTATAAGCGCAAGTTTTCCGTCTGATGTCCCAAACAAAAGGTCTTCTCC[A>G]GAGTCACCTACTTATAATTAAAGTCAACATATTATATTTATCCTACAATTAGTAATCTCT-3'
Protein context (NP_789794.1, residues 193-213): LALHNGNGGD[Ser203=]GEDLLFGTSD